The following is an entry in ClinVar:

NM_001378452.1(ITPR1):c.4083C>G (p.Phe1361Leu)

Gene: ITPR1 (inositol 1,4,5-trisphosphate receptor type 1; plus strand). Cytogenetic location: 3p26.1.
Variant type: single nucleotide variant.
Coding change: c.4083C>G on transcript NM_001378452.1 (MANE Select); coding-DNA position 4083, C replaced by G.
Protein change: p.Phe1361Leu; replaces phenylalanine 1361 with leucine.
Molecular consequence: missense variant.
Genome position (GRCh38, 1-based): chr3:4,693,543, C>G. VCF-style: chr3-4693543-C-G. GRCh37 (hg19) VCF-style: chr3-4735227-C-G.
Other names: c.4056C>G, p.Phe1352Leu (NM_001099952.4); c.4038C>G, p.Phe1346Leu (NM_001168272.2); c.4011C>G, p.Phe1337Leu (NM_002222.7); short protein forms F1361L, F1337L, F1346L, F1352L.
Identifiers: ClinVar variation 3694154 (VCV003694154.2).

ClinVar aggregate classification (germline): Uncertain significance (1 of 4 stars; one submission).

gnomAD v4.1: 1 of 1,613,940 alleles (0.000062%); highest among the groups gnomAD compares: Non-Finnish European, 0.000085%; no homozygotes.

Submission:

Labcorp Genetics (formerly Invitae), Labcorp
Classification: Uncertain significance. Last evaluated: 2025-07-28. Review status: criteria provided, single submitter. Criteria: Invitae Variant Classification Sherloc (09022015). Collection method: clinical testing. Allele origin: germline.
Comment: This sequence change replaces phenylalanine, which is neutral and non-polar, with leucine, which is neutral and non-polar, at codon 1337 of the ITPR1 protein (p.Phe1337Leu). This variant is present in population databases (rs763239856, gnomAD 0.002%). This variant has not been reported in the literature in individuals affected with ITPR1-related conditions. ClinVar contains an entry for this variant (Variation ID: 3694154). Invitae Evidence Modeling of protein sequence and biophysical properties (such as structural, functional, and spatial information, amino acid conservation, physicochemical variation, residue mobility, and thermodynamic stability) indicates that this missense variant is not expected to disrupt ITPR1 protein function with a negative predictive value of 80%. In summary, the available evidence is currently insufficient to determine the role of this variant in disease. Therefore, it has been classified as a Variant of Uncertain Significance.